The following is an entry in ClinVar:

NM_000836.4(GRIN2D):c.2393G>A (p.Arg798His)

Gene: GRIN2D (glutamate ionotropic receptor NMDA type subunit 2D; plus strand). Cytogenetic location: 19q13.33.
Variant type: single nucleotide variant.
Coding change: c.2393G>A on transcript NM_000836.4 (MANE Select); coding-DNA position 2393, G replaced by A.
Protein change: p.Arg798His; replaces arginine 798 with histidine.
Molecular consequence: missense variant.
Genome position (GRCh38, 1-based): chr19:48,441,909, G>A. VCF-style: chr19-48441909-G-A. GRCh37 (hg19) VCF-style: chr19-48945166-G-A.
Other names: short protein forms R798H.
Identifiers: ClinVar variation 1709263 (VCV001709263.2), dbSNP rs371691127, ClinGen allele CA9550723.

ClinVar aggregate classification (germline): Uncertain significance (1 of 4 stars; one submission).

Conditions:
Developmental and epileptic encephalopathy, 46 (DEE46). Also called: GRIN2D-Related Developmental and Epileptic Encephalopathy; Epileptic encephalopathy, early infantile, 46. Identifiers: MedGen C4310687, MONDO:0014947, OMIM 617162.

Allele frequency attached by ClinVar (database versions not stated): ExAC 0.00001; gnomAD 0.00001; ESP Exome Variant Server 0.00008.
gnomAD v4.1: 2 of 1,611,888 alleles (0.00012%); highest among the groups gnomAD compares: Non-Finnish European, 0.00017%; no homozygotes.

Submission:

MGZ Medical Genetics Center
Classification: Uncertain significance for Developmental and epileptic encephalopathy, 46. Last evaluated: 2022-03-30. Review status: criteria provided, single submitter. Criteria: ACMG Guidelines, 2015. Collection method: clinical testing. Allele origin: germline. Affected: yes. Observed: 1 variant allele.
Comment: ACMG criteria applied: PM2_SUP, PP2, BP4